The following is an entry in ClinVar:

ClinVar aggregate classification (germline): Uncertain significance. Review status: criteria provided, multiple submitters, no conflicts (2 of 4 stars). 3 submissions from 3 submitters: Uncertain significance (3). Last evaluated 2025-10-23.

Conditions:
Familial thoracic aortic aneurysm and aortic dissection (TAAD). Also called: Thoracic aortic aneurysms and dissections. Identifiers: Orphanet 91387, MedGen C4707243, MONDO:0019625.
Loeys-Dietz syndrome 2 (LDS2). Also called: AORTIC ANEURYSM, FAMILIAL THORACIC 3; MARFAN SYNDROME, TYPE II; Marfan syndrome, type 2 (formerly); TGFBR2-Related Loeys-Dietz Syndrome; Marfan Syndrome type 2; Marfan like connective tissue disorder. Identifiers: Orphanet 284973, Orphanet 558, MedGen C2674574, MONDO:0012427, OMIM 610168.

Submissions (3):

Labcorp Genetics (formerly Invitae), Labcorp
Classification: Uncertain significance for Familial thoracic aortic aneurysm and aortic dissection. Last evaluated: 2025-10-23. Review status: criteria provided, single submitter. Criteria: Invitae Variant Classification Sherloc (09022015). Collection method: clinical testing. Allele origin: germline.
Comment: This sequence change replaces asparagine, which is neutral and polar, with serine, which is neutral and polar, at codon 144 of the TGFBR2 protein (p.Asn144Ser). This variant is not present in population databases (gnomAD no frequency). This variant has not been reported in the literature in individuals affected with TGFBR2-related conditions. ClinVar contains an entry for this variant (Variation ID: 3070364). Invitae Evidence Modeling of protein sequence and biophysical properties (such as structural, functional, and spatial information, amino acid conservation, physicochemical variation, residue mobility, and thermodynamic stability) indicates that this missense variant is expected to disrupt TGFBR2 protein function with a positive predictive value of 95%. In summary, the available evidence is currently insufficient to determine the role of this variant in disease. Therefore, it has been classified as a Variant of Uncertain Significance.

Color Diagnostics, LLC DBA Color Health
Classification: Uncertain significance for Familial thoracic aortic aneurysm and aortic dissection. Last evaluated: 2025-06-29. Review status: criteria provided, single submitter. Criteria: ACMG Guidelines, 2015. Collection method: clinical testing. Allele origin: germline.
Comment: This missense variant replaces asparagine with serine at codon 144 of the TGFBR2 protein. Computational prediction suggests that this variant may have deleterious impact on protein structure and function. To our knowledge, functional studies have not been reported for this variant. This variant has not been reported in individuals affected with TGFBR2-related disorders in the literature. This variant has not been identified in the general population by the Genome Aggregation Database (gnomAD). The available evidence is insufficient to determine the role of this variant in disease conclusively. Therefore, this variant is classified as a Variant of Uncertain Significance.

All of Us Research Program, National Institutes of Health
Classification: Uncertain significance for Loeys-Dietz syndrome 2. Last evaluated: 2023-04-10. Review status: criteria provided, single submitter. Criteria: ACMG Guidelines, 2015. Collection method: clinical testing. Allele origin: germline. Inheritance: Autosomal dominant inheritance. Observed: 1 variant allele, 1 heterozygote.
Comment: This missense variant replaces asparagine with serine at codon 144 of the TGFBR2 protein. Computational prediction suggests that this variant may have deleterious impact on protein structure and function (internally defined REVEL score threshold >= 0.7, PMID: 27666373). To our knowledge, functional studies have not been reported for this variant. This variant has not been reported in individuals affected with TGFBR2-related disorders in the literature. This variant has not been identified in the general population by the Genome Aggregation Database (gnomAD). The available evidence is insufficient to determine the role of this variant in disease conclusively. Therefore, this variant is classified as a Variant of Uncertain Significance.

This study involves interpretation of variants in research participants for the purpose of population health screening. Participant phenotype was not available at the time of variant classification. Additional details can be found in publication PMID: 35346344, PMCID: PMC8962531

NM_003242.6(TGFBR2):c.431A>G (p.Asn144Ser)

Gene: TGFBR2 (transforming growth factor beta receptor 2; plus strand). Cytogenetic location: 3p24.1.
Variant type: single nucleotide variant.
Coding change: c.431A>G on transcript NM_003242.6 (MANE Select); coding-DNA position 431, A replaced by G.
Protein change: p.Asn144Ser; replaces asparagine 144 with serine.
Molecular consequence: missense variant. On other transcripts: intron variant (2).
Genome position (GRCh38, 1-based): chr3:30,650,437, A>G. VCF-style: chr3-30650437-A-G. GRCh37 (hg19) VCF-style: chr3-30691929-A-G.
Other names: c.506A>G, p.Asn169Ser (NM_001024847.3, NM_001407126.1, NM_001407139.1); c.431A>G, p.Asn144Ser (NM_001407127.1, NM_001407130.1); c.458A>G, p.Asn153Ser (NM_001407128.1); c.326A>G, p.Asn109Ser (NM_001407129.1, NM_001407132.1, NM_001407133.1 and 3 more transcripts); c.170-21201A>G (NM_001407137.1); c.95-21201A>G (NM_001407138.1); short protein forms N109S, N144S, N153S, N169S.
Identifiers: ClinVar variation 3070364 (VCV003070364.3), dbSNP rs2125410676, ClinGen allele CA351807083.
Genomic context (GRCh38, chr3:30,650,437, plus strand): 5'-AGGAAAAAAAAAAGCCTGGTGAGACTTTCTTCATGTGTTCCTGTAGCTCTGATGAGTGCA[A>G]TGACAACATCATCTTCTCAGAAGGTGAGTTTTCTTCTCTTAAGGGTGTGGGACCTGAGAT-3'
Protein context (NP_003233.4, residues 134-154): FMCSCSSDEC[Asn144Ser]DNIIFSEEYN